The following is an entry in ClinVar:

NM_002661.5(PLCG2):c.1050C>A (p.Arg350=)

Gene: PLCG2 (phospholipase C gamma 2; plus strand). Cytogenetic location: 16q23.3.
Variant type: single nucleotide variant.
Coding change: c.1050C>A on transcript NM_002661.5 (MANE Select); coding-DNA position 1050, C replaced by A.
Protein change: p.Arg350=; no amino-acid change (arginine 350 retained).
Molecular consequence: synonymous variant.
Genome position (GRCh38, 1-based): chr16:81,893,772, C>A. VCF-style: chr16-81893772-C-A. GRCh37 (hg19) VCF-style: chr16-81927377-C-A.
Identifiers: ClinVar variation 540111 (VCV000540111.18), dbSNP rs185739725, ClinGen allele CA8193559.

ClinVar aggregate classification (germline): Benign/Likely benign. Review status: criteria provided, multiple submitters, no conflicts (2 of 4 stars). 6 submissions from 6 submitters: Benign (3); Likely benign (2). 1 of the submissions does not count toward it. Last evaluated 2026-01-26.

Conditions:
Autoinflammation-PLCG2-associated antibody deficiency-immune dysregulation. Also called: Autoinflammation, antibody deficiency, and immune dysregulation, plcg2-associated; Autoinflammation, antibody deficiency, and immune dysregulation syndrome; AUTOINFLAMMATION, ANTIBODY DEFICIENCY, AND IMMUNE DYSREGULATION. Identifiers: Orphanet 324530, MedGen C3553961, MONDO:0013944, OMIM 614878.
Familial cold autoinflammatory syndrome 3 (FCAS3). Also called: FAMILIAL ATYPICAL COLD URTICARIA; ANTIBODY DEFICIENCY AND IMMUNE DYSREGULATION, PLCG2-ASSOCIATED. Identifiers: Orphanet 300359, MedGen C3280914, MONDO:0013766, OMIM 614468.
PLCG2-related disorder. Also called: PLCG2-related condition.

Allele frequency attached by ClinVar (database versions not stated): 1000 Genomes Project 0.00140; gnomAD 0.00196 and 0.00212; 1000 Genomes Project 30x 0.00203; TOPMed 0.00211; ESP Exome Variant Server 0.00216.
gnomAD v4.1: 573 of 1,611,410 alleles (0.036%); highest among the groups gnomAD compares: African/African-American, 0.71%; 1 homozygote.

Submissions (6):

Labcorp Genetics (formerly Invitae), Labcorp
Classification: Benign for Familial cold autoinflammatory syndrome 3. Last evaluated: 2026-01-26. Review status: criteria provided, single submitter. Criteria: Invitae Variant Classification Sherloc (09022015). Collection method: clinical testing. Allele origin: germline.

Women's Health and Genetics/Laboratory Corporation of America, LabCorp
Classification: Benign. Last evaluated: 2026-01-23. Review status: criteria provided, single submitter. Criteria: LabCorp Variant Classification Summary - May 2015. Collection method: clinical testing. Allele origin: germline.

Blueprint Genetics
Classification: Likely benign. Last evaluated: 2024-10-03. Review status: criteria provided, single submitter. Criteria: ACMG Guidelines, 2015. Collection method: clinical testing. Allele origin: germline.

Fulgent Genetics
Classification: Likely benign for Familial cold autoinflammatory syndrome 3; Autoinflammation-PLCG2-associated antibody deficiency-immune dysregulation. Last evaluated: 2021-08-10. Review status: criteria provided, single submitter. Criteria: ACMG Guidelines, 2015. Collection method: clinical testing. Allele origin: unknown.

Breakthrough Genomics
Classification: Benign. Review status: criteria provided, single submitter. Criteria: ACMG Guidelines, 2015. Collection method: not provided. Allele origin: germline. Inheritance: Autosomal dominant inheritance. Affected: yes.

PreventionGenetics, part of Exact Sciences
Classification: Benign for PLCG2-related condition. Last evaluated: 2024-08-17. Review status: no assertion criteria provided. Collection method: clinical testing. Allele origin: germline. Not counted in ClinVar's aggregate classification.
Comment: This variant is classified as benign based on ACMG/AMP sequence variant interpretation guidelines (Richards et al. 2015 PMID: 25741868, with internal and published modifications).